The following is an entry in ClinVar:

ClinVar aggregate classification (germline): Uncertain significance (1 of 4 stars; one submission).

Conditions:
Familial adenomatous polyposis 2. Also called: MYH-associated polyposis; Adenomas, multiple colorectal; COLORECTAL ADENOMATOUS POLYPOSIS, AUTOSOMAL RECESSIVE; ADENOMAS, MULTIPLE COLORECTAL, AUTOSOMAL RECESSIVE; FAP type 2; MUTYH Polyposis. Identifiers: Orphanet 220460, Orphanet 247798, MedGen C3272841, MONDO:0012041, OMIM 608456.

Submission:

Labcorp Genetics (formerly Invitae), Labcorp
Classification: Uncertain significance for Familial adenomatous polyposis 2. Last evaluated: 2020-12-03. Review status: criteria provided, single submitter. Criteria: Invitae Variant Classification Sherloc (09022015). Collection method: clinical testing. Allele origin: germline.
Comment: This sequence change replaces leucine with arginine at codon 285 of the MUTYH protein (p.Leu285Arg). The leucine residue is highly conserved and there is a moderate physicochemical difference between leucine and arginine. This variant is not present in population databases (ExAC no frequency). This variant has not been reported in the literature in individuals with MUTYH-related conditions. Algorithms developed to predict the effect of missense changes on protein structure and function (SIFT, PolyPhen-2, Align-GVGD) all suggest that this variant is likely to be disruptive, but these predictions have not been confirmed by published functional studies and their clinical significance is uncertain. In summary, the available evidence is currently insufficient to determine the role of this variant in disease. Therefore, it has been classified as a Variant of Uncertain Significance.

NM_001048174.2(MUTYH):c.770T>G (p.Leu257Arg)

Gene: MUTYH (mutY DNA glycosylase; minus strand). Cytogenetic location: 1p34.1.
Variant type: single nucleotide variant.
Coding change: c.770T>G on transcript NM_001048174.2 (MANE Select); coding-DNA position 770, T replaced by G.
Protein change: p.Leu257Arg; replaces leucine 257 with arginine.
Molecular consequence: missense variant. On other transcripts: non-coding transcript variant (2).
Genome position (GRCh38, 1-based): chr1:45,332,245, A>C on the plus strand (T>G on the coding strand, the complement: MUTYH is on the minus strand). VCF-style: chr1-45332245-A-C. GRCh37 (hg19) VCF-style: chr1-45797917-A-C.
Other names: c.770T>G, p.Leu257Arg (NM_001048171.2, NM_001048173.2, NM_001293195.2); c.773T>G, p.Leu258Arg (NM_001048172.2); c.854T>G, p.Leu285Arg (NM_001128425.2); c.815T>G, p.Leu272Arg (NM_001293190.2); c.803T>G, p.Leu268Arg (NM_001293191.2); c.494T>G, p.Leu165Arg (NM_001293192.2, NM_001293196.2); c.425T>G, p.Leu142Arg (NM_001350650.2, NM_001350651.2); c.845T>G, p.Leu282Arg (NM_012222.3); short protein forms L142R, L165R, L285R, L258R, L272R, L257R, L268R, L282R.
Identifiers: ClinVar variation 1491188 (VCV001491188.8), dbSNP rs2149139156, ClinGen allele CA340134563.
Genomic context (GRCh38, chr1:45,332,245, plus strand): 5'-AGGCTCTCCACAGGGCACTGGCTGCACAGTGGGCGCTGTGGGGTACACACTGTGGCCCCT[A>C]GCTCCATGGCTGCTTGGTTGAAATCTCCTGGCCGGGCTGGGTCCACCAGCTGCTGGGCTA-3'
Protein context (NP_001041639.1, residues 247-267): PGDFNQAAME[Leu257Arg]GATVCTPQRP